The following is an entry in ClinVar:

ClinVar aggregate classification (germline): Likely benign. Review status: criteria provided, multiple submitters, no conflicts (2 of 4 stars). 4 submissions from 4 submitters: Likely benign (4). Last evaluated 2026-01-21.

Conditions:
RELN-related disorder. Also called: RELN-related condition.
Norman-Roberts syndrome (LIS2). Also called: Lissencephaly 2 (Norman-Roberts type). Identifiers: Orphanet 89844, MedGen C0796089, MONDO:0009760, OMIM 257320.
Familial temporal lobe epilepsy 7. Identifiers: Orphanet 101046, MedGen C4225327, MONDO:0014639, OMIM 616436.

Allele frequency attached by ClinVar (database versions not stated): gnomAD exomes 0.00007 and 0.00017; ESP Exome Variant Server 0.00008; gnomAD 0.00009 and 0.00010; ExAC 0.00012; TOPMed 0.00013; 1000 Genomes Project 0.00020; 1000 Genomes Project 30x 0.00031.
gnomAD v4.1: 121 of 1,613,930 alleles (0.0075%); highest among the groups gnomAD compares: Middle Eastern, 0.12%; no homozygotes.

Submissions (4):

Labcorp Genetics (formerly Invitae), Labcorp
Classification: Likely benign for Familial temporal lobe epilepsy 7; Norman-Roberts syndrome. Last evaluated: 2026-01-21. Review status: criteria provided, single submitter. Criteria: Invitae Variant Classification Sherloc (09022015). Collection method: clinical testing. Allele origin: germline.

PreventionGenetics, part of Exact Sciences
Classification: Likely benign for RELN-related condition. Last evaluated: 2025-05-10. Review status: criteria provided, single submitter. Criteria: ACMG Guidelines, 2015. Collection method: clinical testing. Allele origin: germline.
Comment: This variant is classified as likely benign based on ACMG/AMP sequence variant interpretation guidelines (Richards et al. 2015 PMID: 25741868, with internal and published modifications).

CeGaT Center for Human Genetics Tuebingen
Classification: Likely benign. Last evaluated: 2024-04-01. Review status: criteria provided, single submitter. Criteria: CeGaT Center For Human Genetics Tuebingen Variant Classification Criteria Version 2. Collection method: clinical testing. Allele origin: germline. Affected: yes. Observed: 1 variant allele.
Comment: RELN: BP4, BP7

GeneDx
Classification: Likely benign. Last evaluated: 2021-04-26. Review status: criteria provided, single submitter. Criteria: GeneDx Variant Classification Process June 2021. Collection method: clinical testing. Allele origin: germline. Affected: yes.

NM_005045.4(RELN):c.7197C>T (p.Tyr2399=)

Gene: RELN (reelin; minus strand). Cytogenetic location: 7q22.1.
Variant type: single nucleotide variant.
Coding change: c.7197C>T on transcript NM_005045.4 (MANE Select); coding-DNA position 7197, C replaced by T.
Protein change: p.Tyr2399=; no amino-acid change (tyrosine 2399 retained).
Molecular consequence: synonymous variant.
Genome position (GRCh38, 1-based): chr7:103,535,468, G>A on the plus strand (C>T on the coding strand, the complement: RELN is on the minus strand). VCF-style: chr7-103535468-G-A. GRCh37 (hg19) VCF-style: chr7-103175915-G-A.
Other names: c.7197C>T, p.Tyr2399= (NM_173054.3).
Identifiers: ClinVar variation 703870 (VCV000703870.35), dbSNP rs368769147, ClinGen allele CA4420777.